The following is an entry in ClinVar:

ClinVar aggregate classification (germline): Uncertain significance. Review status: criteria provided, multiple submitters, no conflicts (2 of 4 stars). 2 submissions from 2 submitters: Uncertain significance (2). Last evaluated 2024-08-11.

Conditions:
Inborn genetic diseases. Identifiers: MedGen C0950123, MeSH D030342.

Allele frequency attached by ClinVar (database versions not stated): gnomAD exomes 0.00001; ExAC 0.00002; gnomAD 0.00006; TOPMed 0.00006.
gnomAD v4.1: 19 of 1,614,112 alleles (0.0012%); highest among the groups gnomAD compares: African/African-American, 0.025%; no homozygotes.

Submissions (2):

Ambry Genetics
Classification: Uncertain significance for Inborn genetic diseases. Last evaluated: 2024-08-11. Review status: criteria provided, single submitter. Criteria: Ambry Variant Classification Scheme 2023. Collection method: clinical testing. Allele origin: germline.

Labcorp Genetics (formerly Invitae), Labcorp
Classification: Uncertain significance. Last evaluated: 2022-08-20. Review status: criteria provided, single submitter. Criteria: Invitae Variant Classification Sherloc (09022015). Collection method: clinical testing. Allele origin: germline.
Comment: This sequence change replaces lysine, which is basic and polar, with asparagine, which is neutral and polar, at codon 497 of the LRIT3 protein (p.Lys497Asn). This variant is present in population databases (rs775030901, gnomAD 0.04%). This variant has not been reported in the literature in individuals affected with LRIT3-related conditions. Algorithms developed to predict the effect of missense changes on protein structure and function (SIFT, PolyPhen-2, Align-GVGD) all suggest that this variant is likely to be tolerated. In summary, the available evidence is currently insufficient to determine the role of this variant in disease. Therefore, it has been classified as a Variant of Uncertain Significance.

NM_198506.5(LRIT3):c.1491A>T (p.Lys497Asn)

Gene: LRIT3 (leucine rich repeat, Ig-like and transmembrane domains 3; plus strand). Cytogenetic location: 4q25.
Variant type: single nucleotide variant.
Coding change: c.1491A>T on transcript NM_198506.5 (MANE Select); coding-DNA position 1491, A replaced by T.
Protein change: p.Lys497Asn; replaces lysine 497 with asparagine.
Molecular consequence: missense variant.
Genome position (GRCh38, 1-based): chr4:109,870,240, A>T. VCF-style: chr4-109870240-A-T. GRCh37 (hg19) VCF-style: chr4-110791396-A-T.
Other names: c.1356A>T (NM_198506.2); short protein forms K497N.
Identifiers: ClinVar variation 1910869 (VCV001910869.3), dbSNP rs775030901, ClinGen allele CA3043201.